The following is an entry in ClinVar:

NM_000104.4(CYP1B1):c.170G>A (p.Trp57Ter)

Gene: CYP1B1 (cytochrome P450 family 1 subfamily B member 1; minus strand). Cytogenetic location: 2p22.2.
Variant type: single nucleotide variant.
Coding change: c.170G>A on transcript NM_000104.4 (MANE Select); coding-DNA position 170, G replaced by A.
Protein change: p.Trp57Ter; replaces tryptophan 57 with a stop codon.
Molecular consequence: nonsense.
Genome position (GRCh38, 1-based): chr2:38,075,219, C>T on the plus strand (G>A on the coding strand, the complement: CYP1B1 is on the minus strand). VCF-style: chr2-38075219-C-T. GRCh37 (hg19) VCF-style: chr2-38302362-C-T.
Other names: short protein forms W57*.
Identifiers: ClinVar variation 2681128 (VCV002681128.2), dbSNP rs104893623, ClinGen allele CA45511772.

ClinVar aggregate classification (germline): Likely pathogenic. Review status: reviewed by expert panel (3 of 4 stars). 2 submissions from 2 submitters: Likely pathogenic (1). 1 of the submissions does not count toward it. Last evaluated 2026-10-27.

Conditions:
CYP1B1-related glaucoma with or without anterior segment dysgenesis. Identifiers: MedGen CN375931, MONDO:0800472.
Anterior segment dysgenesis 6 (ASGD6). Also called: Anterior segment dysgenesis 6, multiple subtypes. Identifiers: MedGen C4310623, MONDO:0015016, OMIM 617315.

Allele frequency attached by ClinVar (database versions not stated): gnomAD 0.00001.

Submissions (2):

ClinGen Glaucoma Variant Curation Expert Panel
Classification: Likely pathogenic for CYP1B1-related glaucoma with or without anterior segment dysgenesis. Last evaluated: 2026-10-27. Review status: reviewed by expert panel. Criteria: ClinGen Glaucoma ACMG Specifications CYP1B1 V2.0. Collection method: curation. Allele origin: germline. Inheritance: Autosomal recessive inheritance.
Comment: The c.170G>A variant in CYP1B1 is predicted to cause a change in the length of the protein due to the insertion of a terminating codon instead of the usual Tryptophan at amino acid 57 (p.Trp57Ter). The highest minor allele frequency of this variant was in the East Asian genetic ancestry group of gnomAD (v4.1) = 0.00002264 (1 allele out of 44,172), which met the ≤ 0.0005 threshold set for PM2_Supporting in a genetic ancestry group of at least 2,000 alleles. This nonsense variant was predicted to undergo NMD, meeting PVS1. There was no functional evidence predicting a damaging or benign impact of this variant on CYP1B1 function. This variant has been identified in an individual in laboratory testing (ClinVar database), however no phenotypic or genotypic information was able to be obtained for PM3 to be assessed. In summary, this variant met the criteria to receive a score of 9 and to be classified as likely pathogenic (likely pathogenic classification range 6 to 9, adapted from PMID: 32720330) for CYP1B1-related glaucoma with or without anterior segment dysgenesis (ASD) based on the ACMG/AMP criteria met, as specified by the ClinGen Glaucoma VCEP (v2.0, 16.07.2026): PVS1, PM2_Supporting.

Baylor Genetics
Classification: Likely pathogenic for Anterior segment dysgenesis 6. Last evaluated: 2023-07-18. Review status: criteria provided, single submitter. Criteria: ACMG Guidelines, 2015. Collection method: clinical testing. Allele origin: unknown. Not counted in ClinVar's aggregate classification.